The following is an entry in ClinVar:

ClinVar aggregate classification (germline): Likely benign. Review status: criteria provided, multiple submitters, no conflicts (2 of 4 stars). 4 submissions from 4 submitters: Likely benign (2). 2 of the submissions do not count toward it. Last evaluated 2026-08-01.

Allele frequency attached by ClinVar (database versions not stated): gnomAD 0.00006 and 0.00007; TOPMed 0.00006; ExAC 0.00007; gnomAD exomes 0.00007; ESP Exome Variant Server 0.00019; 1000 Genomes Project 0.00040; 1000 Genomes Project 30x 0.00047.
gnomAD v4.1: 118 of 1,613,938 alleles (0.0073%); highest among the groups gnomAD compares: Non-Finnish European, 0.0073%; no homozygotes.

Submissions (4):

CeGaT Center for Human Genetics Tuebingen
Classification: Likely benign. Last evaluated: 2026-08-01. Review status: criteria provided, single submitter. Criteria: CeGaT Center For Human Genetics Tuebingen Variant Classification Criteria Version 2. Collection method: clinical testing. Allele origin: germline. Affected: yes. Observed: 2 variant alleles.
Comment: GFAP: BP4, BS1

Labcorp Genetics (formerly Invitae), Labcorp
Classification: Likely benign. Last evaluated: 2024-05-06. Review status: criteria provided, single submitter. Criteria: Invitae Variant Classification Sherloc (09022015). Collection method: clinical testing. Allele origin: germline.

Clinical Genetics DNA and cytogenetics Diagnostics Lab, Erasmus MC, Erasmus Medical Center
Classification: Uncertain significance. Review status: no assertion criteria provided. Collection method: clinical testing. Allele origin: germline. Affected: yes. Study: VKGL Data-share Consensus. Not counted in ClinVar's aggregate classification.

Genome Diagnostics Laboratory, Amsterdam University Medical Center
Classification: Uncertain significance. Review status: no assertion criteria provided. Collection method: clinical testing. Allele origin: germline. Affected: yes. Study: VKGL Data-share Consensus. Not counted in ClinVar's aggregate classification.

NM_002055.5(GFAP):c.1171+474G>A

Gene: GFAP (glial fibrillary acidic protein; minus strand). Cytogenetic location: 17q21.31.
Variant type: single nucleotide variant.
Coding change: c.1171+474G>A on transcript NM_002055.5 (MANE Select); 474 bases into the intron after coding-DNA position 1171, G replaced by A.
Molecular consequence: intron variant. On other transcripts: missense variant (2), 3 prime UTR variant (1).
Genome position (GRCh38, 1-based): chr17:44,910,141, C>T on the plus strand (G>A on the coding strand, the complement: GFAP is on the minus strand). VCF-style: chr17-44910141-C-T. GRCh37 (hg19) VCF-style: chr17-42987509-C-T.
Other names: c.1291G>A, p.Gly431Ser (NM_001131019.3); c.*328G>A (NM_001242376.3); c.1291G>A, p.Glu431Lys (NM_001363846.2); short protein forms E431K, G431S.
Identifiers: ClinVar variation 1210094 (VCV001210094.42), dbSNP rs370385098, ClinGen allele CA8608680.
Genomic context (GRCh38, chr17:44,910,141, plus strand): 5'-GTGAGGCTCACTCCCTGTCAAGCTGGGCAAAGCGCCGTGTCTGAGAGGCAGGCAGCTAAC[C>T]GCGAGCCGGCGGCGTTCCATTTACAATCTGGTGAGCCTGTATTGGTATAACTCGTATTGT-3'